The following is an entry in ClinVar:

NM_025009.5(CEP135):c.1435G>A (p.Ala479Thr)

Gene: CEP135 (centrosomal protein 135; plus strand). Cytogenetic location: 4q12.
Variant type: single nucleotide variant.
Coding change: c.1435G>A on transcript NM_025009.5 (MANE Select); coding-DNA position 1435, G replaced by A.
Protein change: p.Ala479Thr; replaces alanine 479 with threonine.
Molecular consequence: missense variant.
Genome position (GRCh38, 1-based): chr4:55,974,931, G>A. VCF-style: chr4-55974931-G-A. GRCh37 (hg19) VCF-style: chr4-56841097-G-A.
Other names: c.1435G>A (NM_025009.3); short protein forms A479T.
Identifiers: ClinVar variation 1358667 (VCV001358667.7), dbSNP rs200040205, ClinGen allele CA2927864.

ClinVar aggregate classification (germline): Conflicting classifications of pathogenicity. Review status: criteria provided, conflicting classifications (1 of 4 stars). 2 submissions from 2 submitters: Uncertain significance (1); Likely benign (1). Last evaluated 2024-10-25.

Conditions:
Inborn genetic diseases. Identifiers: MedGen C0950123, MeSH D030342.

Allele frequency attached by ClinVar (database versions not stated): gnomAD 0.00003; ExAC 0.00004; TOPMed 0.00004; gnomAD exomes 0.00005; ESP Exome Variant Server 0.00015.
gnomAD v4.1: 109 of 1,607,076 alleles (0.0068%); highest among the groups gnomAD compares: Middle Eastern, 0.017%; no homozygotes.

Submissions (2):

Labcorp Genetics (formerly Invitae), Labcorp
Classification: Uncertain significance. Last evaluated: 2024-10-25. Review status: criteria provided, single submitter. Criteria: Invitae Variant Classification Sherloc (09022015). Collection method: clinical testing. Allele origin: germline.
Comment: This sequence change replaces alanine, which is neutral and non-polar, with threonine, which is neutral and polar, at codon 479 of the CEP135 protein (p.Ala479Thr). This variant is present in population databases (rs200040205, gnomAD 0.01%). This variant has not been reported in the literature in individuals affected with CEP135-related conditions. ClinVar contains an entry for this variant (Variation ID: 1358667). An algorithm developed to predict the effect of missense changes on protein structure and function outputs the following: PolyPhen-2: "Benign". The threonine amino acid residue is found in multiple mammalian species, which suggests that this missense change does not adversely affect protein function. In summary, the available evidence is currently insufficient to determine the role of this variant in disease. Therefore, it has been classified as a Variant of Uncertain Significance.

Ambry Genetics
Classification: Likely benign for Inborn genetic diseases. Last evaluated: 2024-03-18. Review status: criteria provided, single submitter. Criteria: Ambry Variant Classification Scheme 2023. Collection method: clinical testing. Allele origin: germline.